The following is an entry in ClinVar:

NM_024164.6(TPSB2):c.68G>T (p.Gly23Val)

Gene: TPSB2 (tryptase beta 2; minus strand). Cytogenetic location: 16p13.3.
Variant type: single nucleotide variant.
Coding change: c.68G>T on transcript NM_024164.6 (MANE Select); coding-DNA position 68, G replaced by T.
Protein change: p.Gly23Val; replaces glycine 23 with valine.
Molecular consequence: missense variant.
Genome position (GRCh38, 1-based): chr16:1,229,731, C>A on the plus strand (G>T on the coding strand, the complement: TPSB2 is on the minus strand). VCF-style: chr16-1229731-C-A. GRCh37 (hg19) VCF-style: chr16-1279732-C-A.
Other names: short protein forms G23V.
Identifiers: ClinVar variation 403562 (VCV000403562.5), dbSNP rs201836020, ClinGen allele CA7803580.
Genomic context (GRCh38, chr16:1,229,731, plus strand): 5'-GGCCACTTGCTCCTGGGGGCCTCCTGACCCCCAACGATGCCCACTCGCTGCAGGGCCTGG[C>A]CTGGGGCTGGGGCAGGTGCCAGGTCAGGACCAGGAAGCAGCCCCAGGCCTGGGCCCAGCC-3'
Protein context (NP_077078.5, residues 13-33): ASRAYAAPAP[Gly23Val]QALQRVGIVG

ClinVar aggregate classification (germline): Benign. Review status: criteria provided, multiple submitters, no conflicts (2 of 4 stars). 2 submissions from 2 submitters: Benign (2). Last evaluated 2016-03-29.

Allele frequency attached by ClinVar (database versions not stated): ExAC 0.27976; 1000 Genomes Project 30x 0.34385.

Submissions (2):

Laboratory for Molecular Medicine, Mass General Brigham Personalized Medicine
Classification: Benign. Last evaluated: 2016-03-29. Review status: criteria provided, single submitter. Criteria: LMM Criteria. Collection method: clinical testing. Allele origin: germline.
Comment: Variant identified in a genome or exome case(s) and assessed due to predicted null impact of the variant or pathogenic assertions in the literature or databases. Disclaimer: This variant has not undergone full assessment. The following are preliminary notes: Frequency (fails quality filter)

Breakthrough Genomics
Classification: Benign. Review status: criteria provided, single submitter. Criteria: ACMG Guidelines, 2015. Collection method: not provided. Allele origin: germline. Inheritance: Unknown mechanism. Affected: yes.